The following is an entry in ClinVar:

NM_001374828.1(ARID1B):c.2729dup (p.Tyr910Ter)

Gene: ARID1B (AT-rich interaction domain 1B; plus strand). Cytogenetic location: 6q25.3.
Variant type: Duplication.
Coding change: c.2729dup on transcript NM_001374828.1 (MANE Select); coding-DNA position 2729, one base duplicated (A; older notation c.2729dupA).
Protein change: p.Tyr910Ter; replaces tyrosine 910 with a stop codon.
Molecular consequence: nonsense.
Genome position (GRCh38, 1-based): chr6:157,133,175, A duplicated. VCF-style (leftmost placement, unchanged base first): chr6-157133174-T-TA. GRCh37 (hg19) VCF-style: chr6-157454308-T-TA.
Other names: c.2519dup (NM_020732.3); c.230dup, p.Tyr77Ter (NM_001363725.2); c.2768dup, p.Tyr923Ter (NM_001371656.1, NM_001374820.1); c.2729dup, p.Tyr910Ter (NM_017519.3); short protein forms Y77*, Y910*, Y923*.
Identifiers: ClinVar variation 1177350 (VCV001177350.3), dbSNP rs1314750809, ClinGen allele CA658789857.

ClinVar aggregate classification (germline): Pathogenic. Review status: criteria provided, multiple submitters, no conflicts (2 of 4 stars). 2 submissions from 2 submitters: Pathogenic (2). Last evaluated 2025-10-14.

Conditions:
ARID1B-related BAFopathy.

Allele frequency attached by ClinVar (database versions not stated): gnomAD 0.00001; TOPMed below 0.00001.

Submissions (2):

GeneDx
Classification: Pathogenic. Last evaluated: 2025-10-14. Review status: criteria provided, single submitter. Criteria: GeneDx Variant Classification Process June 2021. Collection method: clinical testing. Allele origin: germline.
Comment: Nonsense variant predicted to result in protein truncation or nonsense mediated decay in a gene for which loss of function is a known mechanism of disease; Not observed at significant frequency in large population cohorts (gnomAD); This variant is associated with the following publications: (PMID: 33057194, 31785789, 30349098, 37500730, 35982159, 34906496)

Baylor Genetics
Classification: Pathogenic for ARID1B-related BAFopathy. Last evaluated: 2021-06-10. Review status: criteria provided, single submitter. Criteria: ACMG Guidelines, 2015. Collection method: clinical testing. Allele origin: unknown. Affected: yes.